The following is an entry in ClinVar:

ClinVar aggregate classification (germline): Uncertain significance (1 of 4 stars; one submission).

Submission:

Labcorp Genetics (formerly Invitae), Labcorp
Classification: Uncertain significance. Last evaluated: 2025-06-16. Review status: criteria provided, single submitter. Criteria: Invitae Variant Classification Sherloc (09022015). Collection method: clinical testing. Allele origin: germline.
Comment: This sequence change replaces glutamic acid, which is acidic and polar, with aspartic acid, which is acidic and polar, at codon 378 of the HYOU1 protein (p.Glu378Asp). This variant is not present in population databases (gnomAD no frequency). This variant has not been reported in the literature in individuals affected with HYOU1-related conditions. An algorithm developed to predict the effect of missense changes on protein structure and function (PolyPhen-2) suggests that this variant is likely to be tolerated. In summary, the available evidence is currently insufficient to determine the role of this variant in disease. Therefore, it has been classified as a Variant of Uncertain Significance.

NM_006389.5(HYOU1):c.1134G>T (p.Glu378Asp)

Genes: HYOU1 (hypoxia up-regulated 1; minus strand), LOC130006884 (ATAC-STARR-seq lymphoblastoid active region 5617; plus strand). Cytogenetic location: 11q23.3.
Variant type: single nucleotide variant.
Coding change: c.1134G>T on transcript NM_006389.5 (MANE Select); coding-DNA position 1134, G replaced by T.
Protein change: p.Glu378Asp; replaces glutamic acid 378 with aspartic acid.
Molecular consequence: missense variant.
Genome position (GRCh38, 1-based): chr11:119,052,161, C>A on the plus strand (G>T on the coding strand, the complement: HYOU1 is on the minus strand). VCF-style: chr11-119052161-C-A. GRCh37 (hg19) VCF-style: chr11-118922873-C-A.
Other names: c.1134G>T, p.Glu378Asp (NM_001130991.3, NM_001411041.1); short protein forms E378D.
Identifiers: ClinVar variation 4759744 (VCV004759744.1).
Genomic context (GRCh38, chr11:119,052,161, plus strand): 5'-CTTCAGCAGCACCTCCTGAACTCTGGGGACCCGAGTGGCCCCACCCACCAGGATCACCTG[C>A]TCAATCTCATCCTGCAGTGGGTAAGAATGACAGGTGCAACAGCATGCAGTTAGCACTGAC-3'
Protein context (NP_006380.1, residues 368-388): QSAEMSLDEI[Glu378Asp]QVILVGGATR